The following is an entry in ClinVar:

NC_000002.11:g.(?_223163230)_(223163334_?)del

Genes: CCDC140 (CCDC140 long non-coding RNA; plus strand), PAX3 (paired box 3; minus strand). Cytogenetic location: 2q36.1.
Variant type: Deletion.
Identifiers: ClinVar variation 3247598 (VCV003247598.1).

ClinVar aggregate classification (germline): Pathogenic (1 of 4 stars; one submission).

Submission:

Labcorp Genetics (formerly Invitae), Labcorp
Classification: Pathogenic. Last evaluated: 2024-01-05. Review status: criteria provided, single submitter. Criteria: Invitae Variant Classification Sherloc (09022015). Collection method: clinical testing. Allele origin: unknown.
Comment: This variant is a gross deletion of the genomic region encompassing exon(s) 1 of the PAX3 gene, which includes the initiator codon. This deletion extends beyond the assayed region for this gene and therefore may encompass additional genes. It is expected to result in an absent or disrupted protein product. Loss-of-function variants in PAX3 are known to be pathogenic (PMID: 20127975, 23512835). A similar copy number variant has been observed in individual(s) with autosomal dominant Waardenburg syndrome (PMID: 17627390). For these reasons, this variant has been classified as Pathogenic.

Literature cited by the submitters: PubMed 20127975; PubMed 23512835; PubMed 17627390.